The following is an entry in ClinVar:

ClinVar aggregate classification (germline): Pathogenic (1 of 4 stars; one submission).

Conditions:
Severe X-linked myotubular myopathy (CNMX). Also called: MYOTUBULAR MYOPATHY 1; X-linked centronuclear myopathy; Myotubular myopathy, X-linked. Identifiers: Orphanet 596, MedGen C0410203, MONDO:0010683, OMIM 310400.

Submission:

MVZ Medizinische Genetik Mainz
Classification: Pathogenic for Severe X-linked myotubular myopathy. Last evaluated: 2022-02-16. Review status: criteria provided, single submitter. Criteria: UK Practice Guidelines For Variant Classification V4 01 2020. Collection method: clinical testing. Allele origin: germline. Inheritance: Unknown mechanism. Affected: yes. Observed: 1 variant allele.
Comment: ACMG Criteria: PVS1, PS1_SUP, PM2_SUP (ACMG Version 3)

NM_000252.3(MTM1):c.232-1G>C

Gene: MTM1 (myotubularin 1; plus strand). Cytogenetic location: Xq28.
Variant type: single nucleotide variant.
Coding change: c.232-1G>C on transcript NM_000252.3 (MANE Select); the canonical splice acceptor site of the intron before coding-DNA position 232, G replaced by C.
Molecular consequence: splice acceptor variant. On other transcripts: intron variant (1).
Genome position (GRCh38, 1-based): chrX:150,614,588, G>C. VCF-style: chrX-150614588-G-C. GRCh37 (hg19) VCF-style: chrX-149783061-G-C.
Other names: c.232-1G>C (NM_001376908.1, NM_001376906.1); c.232-4450G>C (NM_001376907.1).
Identifiers: ClinVar variation 3235226 (VCV003235226.1), dbSNP rs587783812.